The following is an entry in ClinVar:

NM_002617.4(PEX10):c.740A>G (p.Lys247Arg)

Gene: PEX10 (peroxisomal biogenesis factor 10; minus strand). Cytogenetic location: 1p36.32.
Variant type: single nucleotide variant.
Coding change: c.740A>G on transcript NM_002617.4 (MANE Select); coding-DNA position 740, A replaced by G.
Protein change: p.Lys247Arg; replaces lysine 247 with arginine.
Molecular consequence: missense variant. On other transcripts: non-coding transcript variant (1).
Genome position (GRCh38, 1-based): chr1:2,406,756, T>C on the plus strand (A>G on the coding strand, the complement: PEX10 is on the minus strand). VCF-style: chr1-2406756-T-C. GRCh37 (hg19) VCF-style: chr1-2338195-T-C.
Other names: c.797A>G, p.Lys266Arg (NM_001374425.1); c.365A>G, p.Lys122Arg (NM_001374426.1); c.308A>G, p.Lys103Arg (NM_001374427.1); c.800A>G, p.Lys267Arg (NM_153818.2); short protein forms K267R, K247R, K103R, K122R, K266R.
Identifiers: ClinVar variation 500567 (VCV000500567.10), dbSNP rs1553231833, ClinGen allele CA337985172.

ClinVar aggregate classification (germline): Uncertain significance. Review status: criteria provided, multiple submitters, no conflicts (2 of 4 stars). 3 submissions from 3 submitters: Uncertain significance (3). Last evaluated 2022-06-08.

Conditions:
Peroxisome biogenesis disorder 6A (Zellweger). Also called: Peroxisome biogenesis disorder 6A. Identifiers: Orphanet 912, MedGen C3553947, MONDO:0013936, OMIM 614870.
Peroxisome biogenesis disorder 6B (PBD6B). Identifiers: Orphanet 44, MedGen C3553948, MONDO:0013937, OMIM 614871.
Peroxisome biogenesis disorder, complementation group 7 (CG7). Also called: Peroxisome biogenesis disorder, complementation group B. Identifiers: MedGen C1864399.

Allele frequency attached by ClinVar (database versions not stated): gnomAD exomes below 0.00001.
gnomAD v4.1: 1 of 1,609,670 alleles (0.000062%); highest among the groups gnomAD compares: Non-Finnish European, 0.000085%; no homozygotes.

Submissions (3):

Labcorp Genetics (formerly Invitae), Labcorp
Classification: Uncertain significance for Peroxisome biogenesis disorder, complementation group 7. Last evaluated: 2022-06-08. Review status: criteria provided, single submitter. Criteria: Invitae Variant Classification Sherloc (09022015). Collection method: clinical testing. Allele origin: germline.
Comment: In summary, the available evidence is currently insufficient to determine the role of this variant in disease. Therefore, it has been classified as a Variant of Uncertain Significance. Algorithms developed to predict the effect of missense changes on protein structure and function output the following: SIFT: "Tolerated"; PolyPhen-2: "Benign"; Align-GVGD: "Class C0". The arginine amino acid residue is found in multiple mammalian species, which suggests that this missense change does not adversely affect protein function. ClinVar contains an entry for this variant (Variation ID: 500567). This variant has not been reported in the literature in individuals affected with PEX10-related conditions. This variant is not present in population databases (gnomAD no frequency). This sequence change replaces lysine, which is basic and polar, with arginine, which is basic and polar, at codon 267 of the PEX10 protein (p.Lys267Arg).

Fulgent Genetics
Classification: Uncertain significance for Peroxisome biogenesis disorder 6A (Zellweger); Peroxisome biogenesis disorder 6B. Last evaluated: 2021-09-08. Review status: criteria provided, single submitter. Criteria: ACMG Guidelines, 2015. Collection method: clinical testing. Allele origin: unknown.

Eurofins Ntd Llc (ga)
Classification: Uncertain significance. Last evaluated: 2017-02-22. Review status: criteria provided, single submitter. Criteria: EGL Classification Definitions 2015. Collection method: clinical testing. Allele origin: germline. Observed: 1 variant allele, 1 heterozygote.